The following is an entry in ClinVar:

ClinVar aggregate classification (germline): Uncertain significance (1 of 4 stars; one submission).

Conditions:
ZFX-related condition.

Submission:

PreventionGenetics, part of Exact Sciences
Classification: Uncertain significance for ZFX-related condition. Last evaluated: 2026-02-06. Review status: criteria provided, single submitter. Criteria: ACMG Guidelines, 2015. Collection method: clinical testing. Allele origin: germline.
Comment: The ZFX c.1955C>T variant is predicted to result in the amino acid substitution p.Thr652Ile. To our knowledge, this variant has not been reported in the literature or in a large population database (gnomAD), indicating this variant is rare. At this time, the clinical significance of this variant is uncertain due to the absence of conclusive functional and genetic evidence.

NM_003410.4(ZFX):c.1838C>T (p.Thr613Ile)

Gene: ZFX (zinc finger protein X-linked; plus strand). Cytogenetic location: Xp22.11.
Variant type: single nucleotide variant.
Coding change: c.1838C>T on transcript NM_003410.4 (MANE Select); coding-DNA position 1838, C replaced by T.
Protein change: p.Thr613Ile; replaces threonine 613 with isoleucine.
Molecular consequence: missense variant. On other transcripts: 3 prime UTR variant (1).
Genome position (GRCh38, 1-based): chrX:24,210,796, C>T. VCF-style: chrX-24210796-C-T. GRCh37 (hg19) VCF-style: chrX-24228913-C-T.
Other names: c.1838C>T, p.Thr613Ile (NM_001178084.2, NM_001178085.1); c.1151C>T, p.Thr384Ile (NM_001178086.2); c.*598C>T (NM_001178095.2); c.1955C>T, p.Thr652Ile (NM_001330327.2); short protein forms T613I, T652I, T384I.
Identifiers: ClinVar variation 4995115 (VCV004995115.1).